The following is an entry in ClinVar:

ClinVar aggregate classification (germline): Uncertain significance. Review status: criteria provided, multiple submitters, no conflicts (2 of 4 stars). 2 submissions from 2 submitters: Uncertain significance (2). Last evaluated 2024-12-04.

gnomAD v4.1: 45 of 1,575,328 alleles (0.0029%); highest among the groups gnomAD compares: Non-Finnish European, 0.0039%; no homozygotes.

Submissions (2):

Ambry Genetics
Classification: Uncertain significance. Last evaluated: 2024-12-04. Review status: criteria provided, single submitter. Criteria: Ambry Variant Classification Scheme 2023. Collection method: clinical testing. Allele origin: germline.

Labcorp Genetics (formerly Invitae), Labcorp
Classification: Uncertain significance. Last evaluated: 2024-05-01. Review status: criteria provided, single submitter. Criteria: Invitae Variant Classification Sherloc (09022015). Collection method: clinical testing. Allele origin: germline.
Comment: This sequence change replaces aspartic acid, which is acidic and polar, with glycine, which is neutral and non-polar, at codon 351 of the GDF1 protein (p.Asp351Gly). The frequency data for this variant in the population databases is considered unreliable, as metrics indicate poor data quality at this position in the gnomAD database. This variant has not been reported in the literature in individuals affected with GDF1-related conditions. Advanced modeling of protein sequence and biophysical properties (such as structural, functional, and spatial information, amino acid conservation, physicochemical variation, residue mobility, and thermodynamic stability) has been performed at Invitae for this missense variant, however the output from this modeling did not meet the statistical confidence thresholds required to predict the impact of this variant on GDF1 protein function. In summary, the available evidence is currently insufficient to determine the role of this variant in disease. Therefore, it has been classified as a Variant of Uncertain Significance.

NM_001492.6(GDF1):c.1052A>G (p.Asp351Gly)

Genes: CERS1 (ceramide synthase 1; minus strand), GDF1 (growth differentiation factor 1; minus strand). Cytogenetic location: 19p13.11.
Variant type: single nucleotide variant.
Coding change: c.1052A>G on transcript NM_001492.6 (MANE Select); coding-DNA position 1052, A replaced by G.
Protein change: p.Asp351Gly; replaces aspartic acid 351 with glycine.
Molecular consequence: missense variant. On other transcripts: 3 prime UTR variant (2).
Genome position (GRCh38, 1-based): chr19:18,868,664, T>C on the plus strand (A>G on the coding strand, the complement: GDF1 is on the minus strand). VCF-style: chr19-18868664-T-C. GRCh37 (hg19) VCF-style: chr19-18979473-T-C.
Other names: c.*1913A>G (NM_001387440.1); c.*1321A>G (NM_021267.5); c.1052A>G, p.Asp351Gly (NM_001387438.1); short protein forms D351G.
Identifiers: ClinVar variation 3519511 (VCV003519511.3).